The following is an entry in ClinVar:

ClinVar aggregate classification (germline): Uncertain significance (1 of 4 stars; one submission).

Allele frequency attached by ClinVar (database versions not stated): TOPMed below 0.00001; gnomAD 0.00002.

Submission:

Labcorp Genetics (formerly Invitae), Labcorp
Classification: Uncertain significance. Last evaluated: 2023-09-15. Review status: criteria provided, single submitter. Criteria: Invitae Variant Classification Sherloc (09022015). Collection method: clinical testing. Allele origin: germline.
Comment: This variant is present in population databases (rs763501939, gnomAD 0.005%). This variant has not been reported in the literature in individuals affected with SPTBN2-related conditions. Advanced modeling of protein sequence and biophysical properties (such as structural, functional, and spatial information, amino acid conservation, physicochemical variation, residue mobility, and thermodynamic stability) performed at Invitae indicates that this missense variant is not expected to disrupt SPTBN2 protein function. In summary, the available evidence is currently insufficient to determine the role of this variant in disease. Therefore, it has been classified as a Variant of Uncertain Significance. This sequence change replaces arginine, which is basic and polar, with histidine, which is basic and polar, at codon 1595 of the SPTBN2 protein (p.Arg1595His).

NM_006946.4(SPTBN2):c.4784G>A (p.Arg1595His)

Gene: SPTBN2 (spectrin beta, non-erythrocytic 2; minus strand). Cytogenetic location: 11q13.2.
Variant type: single nucleotide variant.
Coding change: c.4784G>A on transcript NM_006946.4 (MANE Select); coding-DNA position 4784, G replaced by A.
Protein change: p.Arg1595His; replaces arginine 1595 with histidine.
Molecular consequence: missense variant.
Genome position (GRCh38, 1-based): chr11:66,693,256, C>T on the plus strand (G>A on the coding strand, the complement: SPTBN2 is on the minus strand). VCF-style: chr11-66693256-C-T. GRCh37 (hg19) VCF-style: chr11-66460727-C-T.
Other names: c.4805G>A, p.Arg1602His (NM_001411025.1); short protein forms R1595H, R1602H.
Identifiers: ClinVar variation 2962062 (VCV002962062.3), dbSNP rs763501939, ClinGen allele CA6128475.
Genomic context (GRCh38, chr11:66,693,256, plus strand): 5'-TCCTGGCCCATCATGTGTAATTCCTGCTCGCCCATCCAGGCCTCCGCCTCGGCGGCATCG[C>T]GGTAGAACTGCTGGGCTCGCAGGGCATCCTCCAGTCGCTTCCCTCGAAGTTCCAGCTCGT-3'
Protein context (NP_008877.2, residues 1585-1605): EDALRAQQFY[Arg1595His]DAAEAEAWMG